The following is an entry in ClinVar:

ClinVar aggregate classification (germline): Uncertain significance (1 of 4 stars; one submission).

Submission:

GeneDx
Classification: Uncertain significance. Last evaluated: 2024-05-03. Review status: criteria provided, single submitter. Criteria: GeneDx Variant Classification Process June 2021. Collection method: clinical testing. Allele origin: germline. Affected: yes.
Comment: Not observed at significant frequency in large population cohorts (gnomAD); In silico analysis supports that this missense variant has a deleterious effect on protein structure/function; Has not been previously published as pathogenic or benign to our knowledge

NM_000260.4(MYO7A):c.6443T>A (p.Ile2148Asn)

Gene: MYO7A (myosin VIIA; plus strand). Cytogenetic location: 11q13.5.
Variant type: single nucleotide variant.
Coding change: c.6443T>A on transcript NM_000260.4 (MANE Select); coding-DNA position 6443, T replaced by A.
Protein change: p.Ile2148Asn; replaces isoleucine 2148 with asparagine.
Molecular consequence: missense variant.
Genome position (GRCh38, 1-based): chr11:77,213,864, T>A. VCF-style: chr11-77213864-T-A. GRCh37 (hg19) VCF-style: chr11-76924909-T-A.
Other names: c.6323T>A, p.Ile2108Asn (NM_001127180.2); c.6296T>A, p.Ile2099Asn (NM_001369365.1); short protein forms I2099N, I2108N, I2148N.
Identifiers: ClinVar variation 3376073 (VCV003376073.1).